The following is an entry in ClinVar:

ClinVar aggregate classification (germline): Uncertain significance (1 of 4 stars; one submission).

Allele frequency attached by ClinVar (database versions not stated): ExAC 0.00001; gnomAD exomes 0.00001; gnomAD 0.00002; TOPMed 0.00002.
gnomAD v4.1: 11 of 1,565,252 alleles (0.0007%); highest among the groups gnomAD compares: Admixed American, 0.0039%; no homozygotes.

Submission:

Labcorp Genetics (formerly Invitae), Labcorp
Classification: Uncertain significance. Last evaluated: 2024-12-08. Review status: criteria provided, single submitter. Criteria: Invitae Variant Classification Sherloc (09022015). Collection method: clinical testing. Allele origin: germline.
Comment: This sequence change replaces arginine, which is basic and polar, with glycine, which is neutral and non-polar, at codon 93 of the FLAD1 protein (p.Arg93Gly). This variant is present in population databases (rs778858864, gnomAD 0.004%). This variant has not been reported in the literature in individuals affected with FLAD1-related conditions. ClinVar contains an entry for this variant (Variation ID: 1913309). An algorithm developed to predict the effect of missense changes on protein structure and function outputs the following: PolyPhen-2: "Benign". The glycine amino acid residue is found in multiple mammalian species, which suggests that this missense change does not adversely affect protein function. In summary, the available evidence is currently insufficient to determine the role of this variant in disease. Therefore, it has been classified as a Variant of Uncertain Significance.

NM_025207.5(FLAD1):c.277A>G (p.Arg93Gly)

Gene: FLAD1 (flavin adenine dinucleotide synthetase 1; plus strand). Cytogenetic location: 1q21.3.
Variant type: single nucleotide variant.
Coding change: c.277A>G on transcript NM_025207.5 (MANE Select); coding-DNA position 277, A replaced by G.
Protein change: p.Arg93Gly; replaces arginine 93 with glycine.
Molecular consequence: missense variant. On other transcripts: 5 prime UTR variant (3).
Genome position (GRCh38, 1-based): chr1:154,983,971, A>G. VCF-style: chr1-154983971-A-G. GRCh37 (hg19) VCF-style: chr1-154956447-A-G.
Other names: c.-15A>G (NM_001184891.2, NM_201398.3); c.-660A>G (NM_001184892.2); short protein forms R93G.
Identifiers: ClinVar variation 1913309 (VCV001913309.4), dbSNP rs778858864, ClinGen allele CA1134267.